The following is an entry in ClinVar:

NM_006015.6(ARID1A):c.3199-25C>T

Gene: ARID1A (AT-rich interaction domain 1A; plus strand). Cytogenetic location: 1p36.11.
Variant type: single nucleotide variant.
Coding change: c.3199-25C>T on transcript NM_006015.6 (MANE Select); 25 bases into the intron before coding-DNA position 3199, C replaced by T.
Molecular consequence: intron variant.
Genome position (GRCh38, 1-based): chr1:26,771,094, C>T. VCF-style: chr1-26771094-C-T. GRCh37 (hg19) VCF-style: chr1-27097585-C-T.
Other names: c.3199-25C>T (NM_139135.4, NM_006015.4).
Identifiers: ClinVar variation 1196223 (VCV001196223.4), dbSNP rs375583580, ClinGen allele CA707174.
Genomic context (GRCh38, chr1:26,771,094, plus strand): 5'-CCTTACAGCCTGATGGGGCTTGGGGCTTATGGGCAGGAAAACCAGGCGGGAGATATACCT[C>T]GACTCCTTTGGTTTGGTTATACAGGTCAACAAGAACAAAAAATGGCGGGAACTTGCAACC-3'

ClinVar aggregate classification (germline): Likely benign. Review status: criteria provided, single submitter (1 of 4 stars). 2 submissions from 2 submitters: Likely benign (1). 1 of the submissions does not count toward it. Last evaluated 2020-04-26.

Conditions:
ARID1A-related disorder. Also called: ARID1A-related condition.

Allele frequency attached by ClinVar (database versions not stated): 1000 Genomes Project 30x 0.00016; 1000 Genomes Project 0.00020; ExAC 0.00037; gnomAD exomes 0.00037; ESP Exome Variant Server 0.00046.
gnomAD v4.1: 1,167 of 1,611,850 alleles (0.072%); highest among the groups gnomAD compares: Non-Finnish European, 0.088%; no homozygotes.

Submissions (2):

GeneDx
Classification: Likely benign. Last evaluated: 2020-04-26. Review status: criteria provided, single submitter. Criteria: GeneDx Variant Classification Process June 2021. Collection method: clinical testing. Allele origin: germline. Affected: yes.

PreventionGenetics, part of Exact Sciences
Classification: Likely benign for ARID1A-related condition. Last evaluated: 2022-12-13. Review status: no assertion criteria provided. Collection method: clinical testing. Allele origin: germline. Not counted in ClinVar's aggregate classification.
Comment: This variant is classified as likely benign based on ACMG/AMP sequence variant interpretation guidelines (Richards et al. 2015 PMID: 25741868, with internal and published modifications).